The following is an entry in ClinVar:

NM_000194.3(HPRT1):c.27+174G>T

Genes: HPRT1 (hypoxanthine phosphoribosyltransferase 1; plus strand), LOC107032760 (origin of replication in promoter/intron 1 of HPRT1; plus strand). Cytogenetic location: Xq26.2.
Variant type: single nucleotide variant.
Coding change: c.27+174G>T on transcript NM_000194.3 (MANE Select); 174 bases into the intron after coding-DNA position 27, G replaced by T.
Molecular consequence: intron variant.
Genome position (GRCh38, 1-based): chrX:134,460,512, G>T. VCF-style: chrX-134460512-G-T. GRCh37 (hg19) VCF-style: chrX-133594542-G-T.
Identifiers: ClinVar variation 4532158 (VCV004532158.1).

ClinVar aggregate classification (germline): Likely pathogenic (1 of 4 stars; one submission).

Conditions:
Lesch-Nyhan syndrome (LNS). Also called: HPRT DEFICIENCY, COMPLETE; Lesch-Nyhan Disease (LND). Identifiers: Orphanet 510, MedGen C0023374, MONDO:0010298, OMIM 300322.

Submission:

Victorian Clinical Genetics Services, Murdoch Childrens Research Institute
Classification: Likely pathogenic for Lesch-Nyhan syndrome. Last evaluated: 2025-09-01. Review status: criteria provided, single submitter. Criteria: ACMG Guidelines, 2015. Collection method: clinical testing. Allele origin: germline. Affected: no.
Comment: This variant is classified as Likely pathogenic. Evidence in support of pathogenic classification: Variant is absent from gnomAD (v2, v3 and v4). Additional information: Non-coding variant without known or predicted effect; This variant is heterozygous; This gene is associated with X-linked disease. Female carriers may have increased uric acid excretion and some may develop symptoms of hyperuricemia in later years (PMID: 20301328); This variant has no previous evidence of pathogenicity; No published evidence of segregation with disease has been identified for this variant; No published functional evidence has been identified for this variant; No comparable non-coding variants have previous evidence for pathogenicity; Loss of function is a known mechanism of disease in this gene and is associated with hyperuricemia, HRPT-related (MIM#300323) and Lesch-Nyhan syndrome (MIM#300322).

Literature cited by the submitters: PubMed 20301328.